The following is an entry in ClinVar:

NM_002838.5(PTPRC):c.1505A>G (p.His502Arg)

Gene: PTPRC (protein tyrosine phosphatase receptor type C; plus strand). Cytogenetic location: 1q32.1.
Variant type: single nucleotide variant.
Coding change: c.1505A>G on transcript NM_002838.5 (MANE Select); coding-DNA position 1505, A replaced by G.
Protein change: p.His502Arg; replaces histidine 502 with arginine.
Molecular consequence: missense variant.
Genome position (GRCh38, 1-based): chr1:198,718,148, A>G. VCF-style: chr1-198718148-A-G. GRCh37 (hg19) VCF-style: chr1-198687277-A-G.
Other names: c.1022A>G, p.His341Arg (NM_080921.4); short protein forms H341R, H502R.
Identifiers: ClinVar variation 1913038 (VCV001913038.3), dbSNP rs1478796698, ClinGen allele CA344038902.

ClinVar aggregate classification (germline): Uncertain significance (1 of 4 stars; one submission).

Conditions:
Immunodeficiency 104. Also called: Severe combined immunodeficiency, autosomal recessive, T cell-negative, B cell-positive, NK cell-positive; SCID, AUTOSOMAL RECESSIVE, T CELL-NEGATIVE, B CELL-POSITIVE, NK CELL-POSITIVE; Severe Combined Immune Deficiency, Autosomal Recessive, TCell -Negative, B Cell-Positive, NK Cell-Positive, IL7R-Related; IMMUNODEFICIENCY 104, SEVERE COMBINED. Identifiers: MedGen C5676890, MONDO:0012163, OMIM 608971.

Allele frequency attached by ClinVar (database versions not stated): gnomAD exomes below 0.00001.
gnomAD v4.1: 1 of 1,614,032 alleles (0.000062%); highest among the groups gnomAD compares: Admixed American, 0.0017%; no homozygotes.

Submission:

Labcorp Genetics (formerly Invitae), Labcorp
Classification: Uncertain significance for Immunodeficiency 104. Last evaluated: 2022-04-07. Review status: criteria provided, single submitter. Criteria: Invitae Variant Classification Sherloc (09022015). Collection method: clinical testing. Allele origin: germline.
Comment: This sequence change replaces histidine, which is basic and polar, with arginine, which is basic and polar, at codon 502 of the PTPRC protein (p.His502Arg). This variant is present in population databases (no rsID available, gnomAD 0.003%). This variant has not been reported in the literature in individuals affected with PTPRC-related conditions. Algorithms developed to predict the effect of missense changes on protein structure and function output the following: SIFT: "Tolerated"; PolyPhen-2: "Benign"; Align-GVGD: "Class C0". The arginine amino acid residue is found in multiple mammalian species, which suggests that this missense change does not adversely affect protein function. In summary, the available evidence is currently insufficient to determine the role of this variant in disease. Therefore, it has been classified as a Variant of Uncertain Significance.